The following is an entry in ClinVar:

ClinVar aggregate classification (germline): Likely pathogenic (1 of 4 stars; one submission).

Conditions:
TH-deficient dopa-responsive dystonia. Also called: Segawa syndrome, autosomal recessive; DYT-TH; Tyrosine Hydroxylase-Deficient Dopa-Responsive Dystonia. Identifiers: Orphanet 101150, MedGen C2673535, MONDO:0011551, OMIM 605407.

Submission:

Myriad Genetics, Inc.
Classification: Likely pathogenic for TH-deficient dopa-responsive dystonia. Last evaluated: 2021-12-02. Review status: criteria provided, single submitter. Criteria: Myriad Women's Health Autosomal Recessive and X-Linked Classification Criteria (2021). Collection method: clinical testing. Allele origin: unknown.
Comment: NM_199292.2(TH):c.616A>T(K206*) is expected to be pathogenic in the context of tyrosine hydroxylase deficiency. This variant is predicted to lead to an abnormal or absent protein product due to the creation of a premature termination codon in TH, a gene where loss-of-function variants are known to be pathogenic. Please note: this variant was assessed in the context of healthy population screening.

NM_000360.4(TH):c.523A>T (p.Lys175Ter)

Gene: TH (tyrosine hydroxylase; minus strand). Cytogenetic location: 11p15.5.
Variant type: single nucleotide variant.
Coding change: c.523A>T on transcript NM_000360.4 (MANE Select); coding-DNA position 523, A replaced by T.
Protein change: p.Lys175Ter; replaces lysine 175 with a stop codon.
Molecular consequence: nonsense.
Genome position (GRCh38, 1-based): chr11:2,168,144, T>A on the plus strand (A>T on the coding strand, the complement: TH is on the minus strand). VCF-style: chr11-2168144-T-A. GRCh37 (hg19) VCF-style: chr11-2189374-T-A.
Other names: c.616A>T, p.Lys206Ter (NM_199292.3); c.604A>T, p.Lys202Ter (NM_199293.3); short protein forms K175*, K202*, K206*.
Identifiers: ClinVar variation 1725336 (VCV001725336.2), dbSNP rs2495817747, ClinGen allele CA379128544.